The following is an entry in ClinVar:

ClinVar aggregate classification (germline): Uncertain significance. Review status: criteria provided, multiple submitters, no conflicts (2 of 4 stars). 2 submissions from 2 submitters: Uncertain significance (2). Last evaluated 2026-08-03.

Conditions:
Familial thoracic aortic aneurysm and aortic dissection (TAAD). Also called: Thoracic aortic aneurysms and dissections. Identifiers: Orphanet 91387, MedGen C4707243, MONDO:0019625.
Ehlers-Danlos syndrome, classic type, 1 (EDSCL1). Also called: Ehlers-Danlos syndrome, type 1; EHLERS-DANLOS SYNDROME, GRAVIS TYPE; EHLERS-DANLOS SYNDROME, SEVERE CLASSIC TYPE; Ehlers-Danlos Syndrome, Classic Type, COL5A1-Related; EDS I. Identifiers: MedGen C0268335, MONDO:0019567, OMIM 130000.

Allele frequency attached by ClinVar (database versions not stated): gnomAD 0.00001; ESP Exome Variant Server 0.00008; gnomAD exomes below 0.00001; TOPMed 0.00003.
gnomAD v4.1: 4 of 1,613,950 alleles (0.00025%); highest among the groups gnomAD compares: African/African-American, 0.0027%; no homozygotes.

Submissions (2):

Ambry Genetics
Classification: Uncertain significance for Familial thoracic aortic aneurysm and aortic dissection. Last evaluated: 2026-08-03. Review status: criteria provided, single submitter. Criteria: Ambry Variant Classification Scheme 2023. Collection method: clinical testing. Allele origin: germline.
Comment: The p.S622N variant (also known as c.1865G>A), located in coding exon 27 of the COL5A2 gene, results from a G to A substitution at nucleotide position 1865. The serine at codon 622 is replaced by asparagine, an amino acid with highly similar properties. This amino acid position is conserved. In addition, this alteration is predicted to be tolerated by in silico analysis. Based on the available evidence, the clinical significance of this variant remains unclear.

Labcorp Genetics (formerly Invitae), Labcorp
Classification: Uncertain significance for Ehlers-Danlos syndrome, classic type, 1. Last evaluated: 2023-08-30. Review status: criteria provided, single submitter. Criteria: Invitae Variant Classification Sherloc (09022015). Collection method: clinical testing. Allele origin: germline.
Comment: This sequence change replaces serine, which is neutral and polar, with asparagine, which is neutral and polar, at codon 622 of the COL5A2 protein (p.Ser622Asn). This variant is not present in population databases (gnomAD no frequency). This variant has not been reported in the literature in individuals affected with COL5A2-related conditions. Advanced modeling of protein sequence and biophysical properties (such as structural, functional, and spatial information, amino acid conservation, physicochemical variation, residue mobility, and thermodynamic stability) performed at Invitae indicates that this missense variant is not expected to disrupt COL5A2 protein function. In summary, the available evidence is currently insufficient to determine the role of this variant in disease. Therefore, it has been classified as a Variant of Uncertain Significance.

NM_000393.5(COL5A2):c.1865G>A (p.Ser622Asn)

Gene: COL5A2 (collagen type V alpha 2 chain; minus strand). Cytogenetic location: 2q32.2.
Variant type: single nucleotide variant.
Coding change: c.1865G>A on transcript NM_000393.5 (MANE Select); coding-DNA position 1865, G replaced by A.
Protein change: p.Ser622Asn; replaces serine 622 with asparagine.
Molecular consequence: missense variant.
Genome position (GRCh38, 1-based): chr2:189,063,176, C>T on the plus strand (G>A on the coding strand, the complement: COL5A2 is on the minus strand). VCF-style: chr2-189063176-C-T. GRCh37 (hg19) VCF-style: chr2-189927902-C-T.
Other names: c.1865G>A (NM_000393.3); short protein forms S622N.
Identifiers: ClinVar variation 2734657 (VCV002734657.4), dbSNP rs368816781, ClinGen allele CA62601189.